The following is an entry in ClinVar:

NM_194248.3(OTOF):c.354T>A (p.Tyr118Ter)

Gene: OTOF (otoferlin; minus strand). Cytogenetic location: 2p23.3.
Variant type: single nucleotide variant.
Coding change: c.354T>A on transcript NM_194248.3 (MANE Select); coding-DNA position 354, T replaced by A.
Protein change: p.Tyr118Ter; replaces tyrosine 118 with a stop codon.
Molecular consequence: nonsense.
Genome position (GRCh38, 1-based): chr2:26,516,573, A>T on the plus strand (T>A on the coding strand, the complement: OTOF is on the minus strand). VCF-style: chr2-26516573-A-T. GRCh37 (hg19) VCF-style: chr2-26739441-A-T.
Other names: c.354T>A, p.Tyr118Ter (NM_001287489.2); short protein forms Y118*.
Identifiers: ClinVar variation 2717058 (VCV002717058.3), dbSNP rs2465353501, ClinGen allele CA346139541.

ClinVar aggregate classification (germline): Pathogenic (1 of 4 stars; one submission).

Submission:

Labcorp Genetics (formerly Invitae), Labcorp
Classification: Pathogenic. Last evaluated: 2023-06-16. Review status: criteria provided, single submitter. Criteria: Invitae Variant Classification Sherloc (09022015). Collection method: clinical testing. Allele origin: germline.
Comment: This sequence change creates a premature translational stop signal (p.Tyr118*) in the OTOF gene. It is expected to result in an absent or disrupted protein product. Loss-of-function variants in OTOF are known to be pathogenic (PMID: 18381613, 19250381, 22575033). This variant is not present in population databases (gnomAD no frequency). This variant has not been reported in the literature in individuals affected with OTOF-related conditions. For these reasons, this variant has been classified as Pathogenic.

Literature cited by the submitters: PubMed 18381613; PubMed 19250381; PubMed 22575033.